The following is an entry in ClinVar:

ClinVar aggregate classification (germline): Uncertain significance. Review status: criteria provided, multiple submitters, no conflicts (2 of 4 stars). 2 submissions from 2 submitters: Uncertain significance (2). Last evaluated 2026-02-24.

Conditions:
Inborn genetic diseases. Identifiers: MedGen C0950123, MeSH D030342.

gnomAD v4.1: 2 of 1,613,748 alleles (0.00012%); highest among the groups gnomAD compares: Non-Finnish European, 0.00017%; no homozygotes.

Submissions (2):

Ambry Genetics
Classification: Uncertain significance for Inborn genetic diseases. Last evaluated: 2026-02-24. Review status: criteria provided, single submitter. Criteria: Ambry Variant Classification Scheme 2023. Collection method: clinical testing. Allele origin: germline.
Comment: The p.A864V variant (also known as c.2591C>T), located in coding exon 21 of the KDM1A gene, results from a C to T substitution at nucleotide position 2591. The alanine at codon 864 is replaced by valine, an amino acid with similar properties. This amino acid position is conserved. In addition, this alteration is predicted to be tolerated by in silico analysis. Based on the available evidence, the clinical significance of this variant remains unclear.

Labcorp Genetics (formerly Invitae), Labcorp
Classification: Uncertain significance. Last evaluated: 2025-05-05. Review status: criteria provided, single submitter. Criteria: Invitae Variant Classification Sherloc (09022015). Collection method: clinical testing. Allele origin: germline.
Comment: This sequence change replaces alanine, which is neutral and non-polar, with valine, which is neutral and non-polar, at codon 864 of the KDM1A protein (p.Ala864Val). This variant is not present in population databases (gnomAD no frequency). This variant has not been reported in the literature in individuals affected with KDM1A-related conditions. ClinVar contains an entry for this variant (Variation ID: 2128661). An algorithm developed to predict the effect of missense changes on protein structure and function (PolyPhen-2) suggests that this variant is likely to be tolerated. In summary, the available evidence is currently insufficient to determine the role of this variant in disease. Therefore, it has been classified as a Variant of Uncertain Significance.

NM_001009999.3(KDM1A):c.2591C>T (p.Ala864Val)

Gene: KDM1A (lysine demethylase 1A; plus strand). Cytogenetic location: 1p36.12.
Variant type: single nucleotide variant.
Coding change: c.2591C>T on transcript NM_001009999.3 (MANE Select); coding-DNA position 2591, C replaced by T.
Protein change: p.Ala864Val; replaces alanine 864 with valine.
Molecular consequence: missense variant.
Genome position (GRCh38, 1-based): chr1:23,083,324, C>T. VCF-style: chr1-23083324-C-T. GRCh37 (hg19) VCF-style: chr1-23409817-C-T.
Other names: c.2537C>T, p.Ala846Val (NM_001363654.2); c.2597C>T, p.Ala866Val (NM_001410762.1); c.*839C>T (NM_001410763.1); c.2519C>T, p.Ala840Val (NM_015013.4); c.2591C>T (NM_001009999.2); short protein forms A840V, A846V, A864V, A866V.
Identifiers: ClinVar variation 2128661 (VCV002128661.5), dbSNP rs2522828042, ClinGen allele CA338973005.
Genomic context (GRCh38, chr1:23,083,324, plus strand): 5'-GAGAAGCGGGAAGAATTGCAGACCAGTTTTTGGGGGCCATGTATACGCTGCCTCGCCAGG[C>T]CACACCAGGTGTTCCTGCACAGCAGTCCCCAAGCATGTGAGACAGATGCATTCTAAGGGA-3'
Protein context (NP_001009999.1, residues 854-874): LGAMYTLPRQ[Ala864Val]TPGVPAQQSP